The following is an entry in ClinVar:

ClinVar aggregate classification (germline): Uncertain significance (1 of 4 stars; one submission).

Submission:

Labcorp Genetics (formerly Invitae), Labcorp
Classification: Uncertain significance. Last evaluated: 2026-01-04. Review status: criteria provided, single submitter. Criteria: Invitae Variant Classification Sherloc (09022015). Collection method: clinical testing. Allele origin: germline.
Comment: This sequence change replaces arginine, which is basic and polar, with histidine, which is basic and polar, at codon 166 of the ALPK3 protein (p.Arg166His). This variant is not present in population databases (gnomAD no frequency). This variant has not been reported in the literature in individuals affected with ALPK3-related conditions. ClinVar contains an entry for this variant (Variation ID: 2114726). An algorithm developed to predict the effect of missense changes on protein structure and function (PolyPhen-2) suggests that this variant is likely to be tolerated. In summary, the available evidence is currently insufficient to determine the role of this variant in disease. Therefore, it has been classified as a Variant of Uncertain Significance.

NC_000015.10:g.84817343G>A

Gene: ALPK3 (alpha kinase 3; plus strand). Cytogenetic location: 15q25.3.
Variant type: single nucleotide variant.
Genome position: GRCh38 VCF-style: chr15-84817343-G-A. GRCh37 (hg19) VCF-style: chr15-85360574-G-A.
Identifiers: ClinVar variation 2114726 (VCV002114726.4), dbSNP rs2505688859, ClinGen allele CA393369034.